The following is an entry in ClinVar:

NM_003396.3(WNT9B):c.701C>T (p.Thr234Met)

Genes: LRRC37A2 (leucine rich repeat containing 37 member A2), WNT9B (Wnt family member 9B; plus strand). Cytogenetic location: 17q21.32.
Variant type: single nucleotide variant.
Coding change: c.701C>T on transcript NM_003396.3 (MANE Select); coding-DNA position 701, C replaced by T.
Protein change: p.Thr234Met; replaces threonine 234 with methionine.
Molecular consequence: missense variant.
Genome position (GRCh38, 1-based): chr17:46,876,345, C>T. VCF-style: chr17-46876345-C-T. GRCh37 (hg19) VCF-style: chr17-44953711-C-T.
Other names: c.701C>T, p.Thr234Met (NM_001320458.2); short protein forms T234M.
Identifiers: ClinVar variation 2050448 (VCV002050448.4), dbSNP rs139124897, ClinGen allele CA8620988.

ClinVar aggregate classification (germline): Uncertain significance (1 of 4 stars; one submission).

Allele frequency attached by ClinVar (database versions not stated): 1000 Genomes Project 30x 0.00016; 1000 Genomes Project 0.00020; ExAC 0.00024; gnomAD 0.00036; gnomAD exomes 0.00024; ESP Exome Variant Server 0.00054; TOPMed 0.00036.
gnomAD v4.1: 407 of 1,614,146 alleles (0.025%); highest among the groups gnomAD compares: African/African-American, 0.1%; no homozygotes.

Submission:

Labcorp Genetics (formerly Invitae), Labcorp
Classification: Uncertain significance. Last evaluated: 2024-09-14. Review status: criteria provided, single submitter. Criteria: Invitae Variant Classification Sherloc (09022015). Collection method: clinical testing. Allele origin: germline.
Comment: This sequence change replaces threonine, which is neutral and polar, with methionine, which is neutral and non-polar, at codon 234 of the WNT9B protein (p.Thr234Met). This variant is present in population databases (rs139124897, gnomAD 0.1%), and has an allele count higher than expected for a pathogenic variant. This variant has not been reported in the literature in individuals affected with WNT9B-related conditions. ClinVar contains an entry for this variant (Variation ID: 2050448). An algorithm developed to predict the effect of missense changes on protein structure and function outputs the following: PolyPhen-2: "Probably Damaging". The methionine amino acid residue is found in multiple mammalian species, which suggests that this missense change does not adversely affect protein function. In summary, the available evidence is currently insufficient to determine the role of this variant in disease. Therefore, it has been classified as a Variant of Uncertain Significance.